The following is an entry in ClinVar:

ClinVar aggregate classification (germline): Uncertain significance. Review status: criteria provided, multiple submitters, no conflicts (2 of 4 stars). 2 submissions from 2 submitters: Uncertain significance (2). Last evaluated 2024-07-30.

Conditions:
Hereditary cancer-predisposing syndrome. Also called: Tumor predisposition; Neoplastic Syndromes, Hereditary; Hereditary neoplastic syndrome; Hereditary Cancer Syndrome. Identifiers: Orphanet 140162, MedGen C0027672, MeSH D009386, MONDO:0015356.
Ataxia-telangiectasia syndrome (AT). Also called: Ataxia-telangiectasia, complementation group D; AT, COMPLEMENTATION GROUP C; ATAXIA-TELANGIECTASIA, COMPLEMENTATION GROUP A; ATAXIA-TELANGIECTASIA, FRESNO VARIANT; Ataxia-telangiectasia; Ataxia telangiectasia (A-T). Identifiers: Orphanet 100, MedGen C0004135, MONDO:0008840, OMIM 208900.

Submissions (2):

Labcorp Genetics (formerly Invitae), Labcorp
Classification: Uncertain significance for Ataxia-telangiectasia syndrome. Last evaluated: 2024-07-30. Review status: criteria provided, single submitter. Criteria: Invitae Variant Classification Sherloc (09022015). Collection method: clinical testing. Allele origin: germline.
Comment: This sequence change replaces serine, which is neutral and polar, with leucine, which is neutral and non-polar, at codon 2882 of the ATM protein (p.Ser2882Leu). This variant is not present in population databases (gnomAD no frequency). This variant has not been reported in the literature in individuals affected with ATM-related conditions. ClinVar contains an entry for this variant (Variation ID: 922729). An algorithm developed to predict the effect of missense changes on protein structure and function (PolyPhen-2) suggests that this variant¬†is likely to be tolerated. In summary, the available evidence is currently insufficient to determine the role of this variant in disease. Therefore, it has been classified as a Variant of Uncertain Significance.

Color Diagnostics, LLC DBA Color Health
Classification: Uncertain significance for Hereditary cancer-predisposing syndrome. Last evaluated: 2024-03-06. Review status: criteria provided, single submitter. Criteria: ACMG Guidelines, 2015. Collection method: clinical testing. Allele origin: germline.
Comment: This missense variant replaces serine with leucine at codon 2882 of the ATM protein. Computational prediction tool is inconclusive regarding the impact of this variant on protein structure and function (internally defined REVEL score threshold 0.5 < inconclusive < 0.7, PMID: 27666373). Splice site prediction tools suggest that this variant may not impact RNA splicing. To our knowledge, functional studies have not been performed for this variant. This variant has not been reported in individuals affected with hereditary cancer in the literature. This variant has not been identified in the general population by the Genome Aggregation Database (gnomAD). The available evidence is insufficient to determine the role of this variant in disease conclusively. Therefore, this variant is classified as a Variant of Uncertain Significance.

NM_000051.4(ATM):c.8645C>T (p.Ser2882Leu)

Genes: ATM (ATM serine/threonine kinase; plus strand), C11orf65 (chromosome 11 open reading frame 65; minus strand). Cytogenetic location: 11q22.3.
Variant type: single nucleotide variant.
Coding change: c.8645C>T on transcript NM_000051.4 (MANE Select); coding-DNA position 8645, C replaced by T.
Protein change: p.Ser2882Leu; replaces serine 2882 with leucine.
Molecular consequence: missense variant. On other transcripts: intron variant (2).
Genome position (GRCh38, 1-based): chr11:108,347,339, C>T. VCF-style: chr11-108347339-C-T. GRCh37 (hg19) VCF-style: chr11-108218066-C-T.
Other names: c.8645C>T, p.Ser2882Leu (NM_001351834.2); c.641-38268G>A (NM_001330368.2); c.695-12047G>A (NM_001351110.2); short protein forms S2882L.
Identifiers: ClinVar variation 922729 (VCV000922729.6), dbSNP rs1252051440, ClinGen allele CA382521020.